The following is an entry in ClinVar:

ClinVar aggregate classification (germline): Uncertain significance. Review status: criteria provided, multiple submitters, no conflicts (2 of 4 stars). 2 submissions from 2 submitters: Uncertain significance (2). Last evaluated 2019-08-27.

Conditions:
Inborn genetic diseases. Identifiers: MedGen C0950123, MeSH D030342.

Allele frequency attached by ClinVar (database versions not stated): ExAC 0.00001; gnomAD 0.00001; gnomAD exomes 0.00001; TOPMed 0.00002.
gnomAD v4.1: 9 of 1,613,984 alleles (0.00056%); highest among the groups gnomAD compares: Admixed American, 0.0017%; no homozygotes.

Submissions (2):

Ambry Genetics
Classification: Uncertain significance for Inborn genetic diseases. Last evaluated: 2019-08-27. Review status: criteria provided, single submitter. Criteria: Ambry Variant Classification Scheme 2023. Collection method: clinical testing. Allele origin: germline.
Comment: The p.N343S variant (also known as c.1028A>G), located in coding exon 7 of the CNTNAP2 gene, results from an A to G substitution at nucleotide position 1028. The asparagine at codon 343 is replaced by serine, an amino acid with highly similar properties. This amino acid position is highly conserved in available vertebrate species. In addition, the in silico prediction for this alteration is inconclusive. Since supporting evidence is limited at this time, the clinical significance of this alteration remains unclear.

GeneDx
Classification: Uncertain significance. Last evaluated: 2016-08-11. Review status: criteria provided, single submitter. Criteria: GeneDx Variant Classification (06012015). Collection method: clinical testing. Allele origin: germline. Affected: yes.
Comment: The N343S variant has not been published as a pathogenic variant, nor has it been reported as a benign variant to our knowledge. It was not observed in approximately 6,500 individuals of European and African American ancestry in the NHLBI Exome Sequencing Project, indicating it is not a common benign variant in these populations. This substitution occurs at a position that is conserved across species and in silico analysis predicts this variant is probably damaging to the protein structure/function. However, the N343S variant is a conservative amino acid substitution, which is not likely to impact secondary protein structure as these residues share similar properties. Therefore, based on the currently available information, it is unclear whether this variant is a pathogenic variant or a rare benign variant.

NM_014141.6(CNTNAP2):c.1028A>G (p.Asn343Ser)

Gene: CNTNAP2 (contactin associated protein 2; plus strand). Cytogenetic location: 7q35.
Variant type: single nucleotide variant.
Coding change: c.1028A>G on transcript NM_014141.6 (MANE Select); coding-DNA position 1028, A replaced by G.
Protein change: p.Asn343Ser; replaces asparagine 343 with serine.
Molecular consequence: missense variant.
Genome position (GRCh38, 1-based): chr7:147,128,781, A>G. VCF-style: chr7-147128781-A-G. GRCh37 (hg19) VCF-style: chr7-146825873-A-G.
Other names: p.N343S:AAT>AGT; short protein forms N343S.
Identifiers: ClinVar variation 205229 (VCV000205229.4), dbSNP rs746335569, ClinGen allele CA314092.